The following is an entry in ClinVar:

ClinVar aggregate classification (germline): Likely pathogenic (1 of 4 stars; one submission).

gnomAD v4.1: 12 of 1,613,550 alleles (0.00074%); highest among the groups gnomAD compares: African/African-American, 0.0067%; no homozygotes.

Submission:

GeneDx
Classification: Likely pathogenic. Last evaluated: 2024-11-11. Review status: criteria provided, single submitter. Criteria: GeneDx Variant Classification Process June 2021. Collection method: clinical testing. Allele origin: germline. Affected: yes.
Comment: Nonsense variant predicted to result in protein truncation, as the last 130 amino acid(s) are lost, and other loss-of-function variants have been reported downstream in HGMD; Has not been previously published as pathogenic or benign to our knowledge

NM_020999.4(NEUROG3):c.253C>T (p.Arg85Ter)

Gene: NEUROG3 (neurogenin 3; minus strand). Cytogenetic location: 10q22.1.
Variant type: single nucleotide variant.
Coding change: c.253C>T on transcript NM_020999.4 (MANE Select); coding-DNA position 253, C replaced by T.
Protein change: p.Arg85Ter; replaces arginine 85 with a stop codon.
Molecular consequence: nonsense.
Genome position (GRCh38, 1-based): chr10:69,572,791, G>A on the plus strand (C>T on the coding strand, the complement: NEUROG3 is on the minus strand). VCF-style: chr10-69572791-G-A. GRCh37 (hg19) VCF-style: chr10-71332547-G-A.
Other names: short protein forms R85*.
Identifiers: ClinVar variation 3898962 (VCV003898962.1).